The following is an entry in ClinVar:

ClinVar aggregate classification (germline): Likely pathogenic (1 of 4 stars; one submission).

Conditions:
Frontotemporal dementia (FTD1). Also called: Frontotemporal lobe dementia (FLDEM); Frontotemporal Dementia with Parkinsonism-17 (FTDP-17); FRONTOTEMPORAL DEMENTIA WITH PARKINSONISM; FRONTOTEMPORAL LOBE DEMENTIA; MULTIPLE SYSTEM TAUOPATHY WITH PRESENILE DEMENTIA; WILHELMSEN-LYNCH DISEASE. Identifiers: Orphanet 282, MedGen C0338451, MONDO:0017276, OMIM 600274, HP:0002145.

Allele frequency attached by ClinVar (database versions not stated): gnomAD exomes 0.00001.
gnomAD v4.1: 11 of 1,613,742 alleles (0.00068%); highest among the groups gnomAD compares: Non-Finnish European, 0.00093%; no homozygotes.

Submission:

Human Genetics Group at Institute of Prion Diseases London, University College London
Classification: Likely pathogenic for Frontotemporal dementia. Last evaluated: 2017-02-01. Review status: criteria provided, single submitter. Criteria: Koriath et al. 2018. Collection method: research. Allele origin: unknown. Affected: yes. Observed: 1 variant allele.
Comment: not on molgen, but in mutation hotspot. Not on exac, not on exome variant server. In silico predictions conflicting

Confirmed by Sanger sequencing

NM_000021.4(PSEN1):c.409G>A (p.Ala137Thr)

Gene: PSEN1 (presenilin 1; plus strand). Cytogenetic location: 14q24.2.
Variant type: single nucleotide variant.
Coding change: c.409G>A on transcript NM_000021.4 (MANE Select); coding-DNA position 409, G replaced by A.
Protein change: p.Ala137Thr; replaces alanine 137 with threonine.
Molecular consequence: missense variant.
Genome position (GRCh38, 1-based): chr14:73,173,636, G>A. VCF-style: chr14-73173636-G-A. GRCh37 (hg19) VCF-style: chr14-73640344-G-A.
Other names: c.397G>A, p.Ala133Thr (NM_007318.3); short protein forms A137T, A133T.
Identifiers: ClinVar variation 599621 (VCV000599621.1), dbSNP rs1566630884, ClinGen allele CA390304909.